The following is an entry in ClinVar:

NM_001374828.1(ARID1B):c.7003C>A (p.Arg2335Ser)

Gene: ARID1B (AT-rich interaction domain 1B; plus strand). Cytogenetic location: 6q25.3.
Variant type: single nucleotide variant.
Coding change: c.7003C>A on transcript NM_001374828.1 (MANE Select); coding-DNA position 7003, C replaced by A.
Protein change: p.Arg2335Ser; replaces arginine 2335 with serine.
Molecular consequence: missense variant.
Genome position (GRCh38, 1-based): chr6:157,207,775, C>A. VCF-style: chr6-157207775-C-A. GRCh37 (hg19) VCF-style: chr6-157528909-C-A.
Other names: c.6754C>A, p.Arg2252Ser (NM_001346813.1); c.4504C>A, p.Arg1502Ser (NM_001363725.2); c.6883C>A, p.Arg2295Ser (NM_001371656.1, NM_001374820.1); c.6844C>A, p.Arg2282Ser (NM_017519.3); c.6634C>A, p.Arg2212Ser (NM_020732.3); c.6421C>A, p.Arg2141Ser (NM_175863.2); short protein forms R2212S, R2295S, R2335S, R2252S, R1502S, R2141S, R2282S.
Identifiers: ClinVar variation 2984612 (VCV002984612.3), dbSNP rs371461578, ClinGen allele CA150379961.

ClinVar aggregate classification (germline): Uncertain significance (1 of 4 stars; one submission).

Submission:

Labcorp Genetics (formerly Invitae), Labcorp
Classification: Uncertain significance. Last evaluated: 2024-05-29. Review status: criteria provided, single submitter. Criteria: Invitae Variant Classification Sherloc (09022015). Collection method: clinical testing. Allele origin: germline.
Comment: This sequence change replaces arginine, which is basic and polar, with serine, which is neutral and polar, at codon 2212 of the ARID1B protein (p.Arg2212Ser). This variant is not present in population databases (gnomAD no frequency). This variant has not been reported in the literature in individuals affected with ARID1B-related conditions. Advanced modeling of protein sequence and biophysical properties (such as structural, functional, and spatial information, amino acid conservation, physicochemical variation, residue mobility, and thermodynamic stability) has been performed at Invitae for this missense variant, however the output from this modeling did not meet the statistical confidence thresholds required to predict the impact of this variant on ARID1B protein function. In summary, the available evidence is currently insufficient to determine the role of this variant in disease. Therefore, it has been classified as a Variant of Uncertain Significance.